The following is an entry in ClinVar:

NM_002635.4(SLC25A3):c.280-6A>G

Gene: SLC25A3 (solute carrier family 25 member 3; plus strand). Cytogenetic location: 12q23.1.
Variant type: single nucleotide variant.
Coding change: c.280-6A>G on transcript NM_002635.4 (MANE Select); 6 bases into the intron before coding-DNA position 280, A replaced by G.
Molecular consequence: intron variant.
Genome position (GRCh38, 1-based): chr12:98,597,850, A>G. VCF-style: chr12-98597850-A-G. GRCh37 (hg19) VCF-style: chr12-98991628-A-G.
Other names: c.280-6A>G (NM_213611.3); c.283-6A>G (NM_005888.4).
Identifiers: ClinVar variation 2097552 (VCV002097552.4), dbSNP rs2548528152, ClinGen allele CA2580086773.

ClinVar aggregate classification (germline): Uncertain significance (1 of 4 stars; one submission).

Allele frequency attached by ClinVar (database versions not stated): gnomAD exomes below 0.00001.

Submission:

Labcorp Genetics (formerly Invitae), Labcorp
Classification: Uncertain significance. Last evaluated: 2022-06-15. Review status: criteria provided, single submitter. Criteria: Invitae Variant Classification Sherloc (09022015). Collection method: clinical testing. Allele origin: germline.
Comment: This variant is not present in population databases (gnomAD no frequency). This variant has not been reported in the literature in individuals affected with SLC25A3-related conditions. Algorithms developed to predict the effect of sequence changes on RNA splicing suggest that this variant may create or strengthen a splice site. In summary, the available evidence is currently insufficient to determine the role of this variant in disease. Therefore, it has been classified as a Variant of Uncertain Significance. This sequence change falls in intron 3 of the SLC25A3 gene. It does not directly change the encoded amino acid sequence of the SLC25A3 protein.